The following is an entry in ClinVar:

NM_000059.4(BRCA2):c.8830A>T (p.Ile2944Phe)

Gene: BRCA2 (BRCA2 DNA repair associated; plus strand). Cytogenetic location: 13q13.1.
Variant type: single nucleotide variant.
Coding change: c.8830A>T on transcript NM_000059.4 (MANE Select); coding-DNA position 8830, A replaced by T.
Protein change: p.Ile2944Phe; replaces isoleucine 2944 with phenylalanine.
Molecular consequence: missense variant.
Genome position (GRCh38, 1-based): chr13:32,379,392, A>T. VCF-style: chr13-32379392-A-T. GRCh37 (hg19) VCF-style: chr13-32953529-A-T.
Other names: p.I2944F:ATC>TTC; 9058 A>T; NP_000050.3:p.Ile2944Phe; short protein forms I2944F.
Identifiers: ClinVar variation 41569 (VCV000041569.106), dbSNP rs4987047, ClinGen allele CA025843.

ClinVar aggregate classification (germline): Benign. Review status: reviewed by expert panel (3 of 4 stars). 39 submissions from 37 submitters: Benign (1). 38 of the submissions do not count toward it. Last evaluated 2015-01-12.

Conditions:
Wilms tumor 1 (WT1). Also called: Wilms tumor, somatic. Identifiers: Orphanet 654, MedGen CN033288, MONDO:0008679, OMIM 194070.
Medulloblastoma (MDB). Also called: Medulloblastoma, somatic; MEDULLOBLASTOMA PREDISPOSITION SYNDROME. Identifiers: Orphanet 616, MedGen C0025149, MeSH D008527, MONDO:0007959, OMIM 155255, HP:0002885.
Breast-ovarian cancer, familial, susceptibility to, 2 (BROVCA2). Also called: BRCA2 Hereditary Breast and Ovarian Cancer. Identifiers: Orphanet 145, MedGen C2675520, MONDO:0012933, OMIM 612555. Disease mechanism: loss of function.
Familial cancer of breast. Also called: Hereditary breast cancer; hereditary breast carcinoma; BREAST CANCER, FAMILIAL. Identifiers: Orphanet 227535, MedGen C0346153, MONDO:0016419, OMIM 114480. Disease mechanism: loss of function.
Glioma susceptibility 3 (GLM3). Also called: Glioblastoma 3. Identifiers: Orphanet 182067, Orphanet 360, MedGen C2751641, MONDO:0013093, OMIM 613029.
Pancreatic cancer, susceptibility to, 2. Identifiers: Orphanet 1333, MedGen C3150546, MONDO:0013235, OMIM 613347.
Prostate cancer. Also called: Malignant tumor of prostate. Identifiers: Orphanet 1331, MedGen C0376358, MONDO:0008315, HP:0012125.
Fanconi anemia complementation group D1. Also called: BRCA2-Related Fanconi Anemia. Identifiers: Orphanet 319462, MedGen C1838457, MONDO:0011584, OMIM 605724.
Breast neoplasm. Also called: Breast Neoplasms; Neoplasm of breast; Breast tumor; Neoplasm of the breast. Identifiers: MedGen C1458155, MeSH D001943, MONDO:0021100, HP:0100013. Disease mechanism: gain of function.
BRCA2-related cancer predisposition. Identifiers: MedGen CN377758, MONDO:0700269.
Hereditary cancer-predisposing syndrome. Also called: Neoplastic Syndromes, Hereditary; Hereditary neoplastic syndrome; Hereditary Cancer Syndrome; Tumor predisposition. Identifiers: Orphanet 140162, MedGen C0027672, MeSH D009386, MONDO:0015356.
Hereditary breast ovarian cancer syndrome. Also called: Hereditary breast and ovarian cancer syndrome (HBOC); Breast and ovarian cancer; BRCA1- and BRCA2-Associated Hereditary Breast and Ovarian Cancer; Hereditary breast and ovarian cancer syndrome; Hereditary breast and ovarian cancer; Hereditary breast and/or ovarian cancer syndrome. Identifiers: Orphanet 145, MedGen C0677776, MeSH D061325, MONDO:0003582. Disease mechanism: loss of function.

Allele frequency attached by ClinVar (database versions not stated): gnomAD exomes 0.00111 and 0.00295; 1000 Genomes Project 0.00899; 1000 Genomes Project 30x 0.01046; ExAC 0.00378; gnomAD 0.01281 and 0.01180; ESP Exome Variant Server 0.01399; TOPMed 0.01382.

Submissions 1 to 18 of 39:

Evidence-based Network for the Interpretation of Germline Mutant Alleles (ENIGMA)
Classification: Benign for Breast-ovarian cancer, familial 2. Last evaluated: 2015-01-12. Review status: reviewed by expert panel. Criteria: ENIGMA BRCA1/2 Classification Criteria (2015). Collection method: curation. Allele origin: germline.
Comment: Class 1 not pathogenic based on frequency >1% in an outbred sampleset. Frequency 0.03455 (African), derived from 1000 genomes (2012-04-30).

CeGaT Center for Human Genetics Tuebingen
Classification: Benign. Last evaluated: 2026-09-01. Review status: criteria provided, single submitter. Criteria: CeGaT Center For Human Genetics Tuebingen Variant Classification Criteria Version 2. Collection method: clinical testing. Allele origin: germline. Affected: yes. Observed: 6 variant alleles. Not counted in ClinVar's aggregate classification.
Comment: BRCA2: BP4, BS1, BS2

Labcorp Genetics (formerly Invitae), Labcorp
Classification: Benign for Hereditary breast ovarian cancer syndrome. Last evaluated: 2026-02-04. Review status: criteria provided, single submitter. Criteria: Invitae Variant Classification Sherloc (09022015). Collection method: clinical testing. Allele origin: germline. Not counted in ClinVar's aggregate classification.

ARUP Laboratories, Molecular Genetics and Genomics, ARUP Laboratories
Classification: Benign. Last evaluated: 2025-05-27. Review status: criteria provided, single submitter. Criteria: ARUP Molecular Germline Variant Investigation Process 2024. Collection method: clinical testing. Allele origin: germline. Not counted in ClinVar's aggregate classification.

Center for Genomic Medicine, Rigshospitalet, Copenhagen University Hospital
Classification: Benign. Last evaluated: 2025-03-04. Review status: criteria provided, single submitter. Criteria: ACMG Guidelines, 2015. Collection method: clinical testing. Allele origin: germline. Not counted in ClinVar's aggregate classification.

KCCC/NGS Laboratory, Kuwait Cancer Control Center
Classification: Benign for Familial cancer of breast. Last evaluated: 2025-02-01. Review status: criteria provided, single submitter. Criteria: ACMG Guidelines, 2015. Collection method: clinical testing. Allele origin: germline. Affected: no. Not counted in ClinVar's aggregate classification.

All of Us Research Program, National Institutes of Health
Classification: Benign for BRCA2-related cancer predisposition. Last evaluated: 2024-09-27. Review status: criteria provided, single submitter. Criteria: ACMG Guidelines, 2015. Collection method: clinical testing. Allele origin: germline. Inheritance: Autosomal dominant inheritance. Observed: 1,056 variant alleles, 1,038 heterozygotes, 18 homozygotes. Not counted in ClinVar's aggregate classification.
Comment: This study involves interpretation of variants in research participants for the purpose of population health screening. Participant phenotype was not available at the time of variant classification. Additional details can be found in publication PMID: 35346344, PMCID: PMC8962531

KCCC/NGS Laboratory, Kuwait Cancer Control Center
Classification: Benign for Breast-ovarian cancer, familial, susceptibility to, 2. Last evaluated: 2023-07-07. Review status: criteria provided, single submitter. Criteria: ACMG Guidelines, 2015. Collection method: clinical testing. Allele origin: germline. Affected: yes. Not counted in ClinVar's aggregate classification.

National Health Laboratory Service, Universitas Academic Hospital and University of the Free State
Classification: Benign for Hereditary breast ovarian cancer syndrome. Last evaluated: 2022-04-19. Review status: criteria provided, single submitter. Criteria: ACMG Guidelines, 2015. Collection method: clinical testing. Allele origin: germline. Affected: yes. Observed: 100 variant alleles. Not counted in ClinVar's aggregate classification.

Genetics Program, Instituto Nacional de Cancer
Classification: Benign for Hereditary breast ovarian cancer syndrome. Last evaluated: 2021-11-01. Review status: criteria provided, single submitter. Criteria: ACMG Guidelines, 2015. Collection method: research. Allele origin: germline. Affected: yes. Not counted in ClinVar's aggregate classification.

Fulgent Genetics
Classification: Benign for Familial cancer of breast; Medulloblastoma; Familial prostate cancer; Wilms tumor 1; Fanconi anemia complementation group D1; Breast-ovarian cancer, familial, susceptibility to, 2; Glioma susceptibility 3; Pancreatic cancer, susceptibility to, 2. Last evaluated: 2021-08-10. Review status: criteria provided, single submitter. Criteria: ACMG Guidelines, 2015. Collection method: clinical testing. Allele origin: unknown. Not counted in ClinVar's aggregate classification.

Sema4
Classification: Benign for Hereditary cancer-predisposing syndrome. Last evaluated: 2020-04-28. Review status: criteria provided, single submitter. Criteria: Sema4 Curation Guidelines. Collection method: curation. Allele origin: germline. Not counted in ClinVar's aggregate classification.

Illumina Laboratory Services, Illumina
Classification: Likely benign for Breast-ovarian cancer, familial, susceptibility to, 2. Last evaluated: 2018-01-29. Review status: criteria provided, single submitter. Criteria: ICSL Variant Classification Criteria 13 December 2019. Collection method: clinical testing. Allele origin: germline. Not counted in ClinVar's aggregate classification.
Comment: This variant was observed as part of a predisposition screen in an ostensibly healthy population. A literature search was performed for the gene, cDNA change, and amino acid change (where applicable). Publications were found based on this search. The evidence from the literature, in combination with allele frequency data from public databases where available, was sufficient to determine this variant is unlikely to cause disease. Therefore, this variant is classified as likely benign.

Illumina Laboratory Services, Illumina
Classification: Likely benign for Fanconi anemia complementation group D1. Last evaluated: 2018-01-29. Review status: criteria provided, single submitter. Criteria: ICSL Variant Classification Criteria 13 December 2019. Collection method: clinical testing. Allele origin: germline. Not counted in ClinVar's aggregate classification.
Comment: the same text as in the submission from Illumina Laboratory Services, Illumina above.

Baylor Genetics
Classification: Benign for Familial cancer of breast. Last evaluated: 2017-02-23. Review status: criteria provided, single submitter. Criteria: ACMG Guidelines, 2015. Collection method: clinical testing. Allele origin: germline. Inheritance: Autosomal dominant inheritance. Affected: no. Not counted in ClinVar's aggregate classification.

Laboratory for Molecular Medicine, Mass General Brigham Personalized Medicine
Classification: Benign. Last evaluated: 2016-03-28. Review status: criteria provided, single submitter. Criteria: LMM Criteria. Collection method: clinical testing. Allele origin: germline. Not counted in ClinVar's aggregate classification.
Comment: Variant identified in a genome or exome case(s) and assessed due to predicted null impact of the variant or pathogenic assertions in the literature or databases. Disclaimer: This variant has not undergone full assessment. The following are preliminary notes: ClinVar: Ben by expert panel

Clinical Genetics DNA and cytogenetics Diagnostics Lab, Erasmus MC, Erasmus Medical Center
Classification: Benign for Breast-ovarian cancer, familial, susceptibility to, 2. Last evaluated: 2015-09-21. Review status: criteria provided, single submitter. Criteria: ACGS Guidelines, 2013. Collection method: clinical testing. Allele origin: germline. Affected: yes. Study: VKGL Data-share Consensus. Not counted in ClinVar's aggregate classification.

Color Diagnostics, LLC DBA Color Health
Classification: Benign for Hereditary cancer-predisposing syndrome. Last evaluated: 2015-04-06. Review status: criteria provided, single submitter. Criteria: ACMG Guidelines, 2015. Collection method: clinical testing. Allele origin: germline. Not counted in ClinVar's aggregate classification.